The following is an entry in ClinVar:

ClinVar aggregate classification (germline): Uncertain significance (1 of 4 stars; one submission).

Allele frequency attached by ClinVar (database versions not stated): ExAC 0.00001.
gnomAD v4.1: 2 of 1,613,956 alleles (0.00012%); highest among the groups gnomAD compares: Admixed American, 0.0033%; no homozygotes.

Submission:

Labcorp Genetics (formerly Invitae), Labcorp
Classification: Uncertain significance. Last evaluated: 2022-08-09. Review status: criteria provided, single submitter. Criteria: Invitae Variant Classification Sherloc (09022015). Collection method: clinical testing. Allele origin: germline.
Comment: This sequence change replaces valine, which is neutral and non-polar, with phenylalanine, which is neutral and non-polar, at codon 2641 of the DCHS1 protein (p.Val2641Phe). This variant is present in population databases (rs762229735, gnomAD 0.006%). This variant has not been reported in the literature in individuals affected with DCHS1-related conditions. Advanced modeling of protein sequence and biophysical properties (such as structural, functional, and spatial information, amino acid conservation, physicochemical variation, residue mobility, and thermodynamic stability) performed at Invitae indicates that this missense variant is not expected to disrupt DCHS1 protein function. In summary, the available evidence is currently insufficient to determine the role of this variant in disease. Therefore, it has been classified as a Variant of Uncertain Significance.

NM_003737.4(DCHS1):c.7921G>T (p.Val2641Phe)

Gene: DCHS1 (dachsous cadherin-related 1; minus strand). Cytogenetic location: 11p15.4.
Variant type: single nucleotide variant.
Coding change: c.7921G>T on transcript NM_003737.4 (MANE Select); coding-DNA position 7921, G replaced by T.
Protein change: p.Val2641Phe; replaces valine 2641 with phenylalanine.
Molecular consequence: missense variant.
Genome position (GRCh38, 1-based): chr11:6,623,755, C>A on the plus strand (G>T on the coding strand, the complement: DCHS1 is on the minus strand). VCF-style: chr11-6623755-C-A. GRCh37 (hg19) VCF-style: chr11-6644986-C-A.
Other names: short protein forms V2641F.
Identifiers: ClinVar variation 1715860 (VCV001715860.5), dbSNP rs762229735, ClinGen allele CA5859515.